The following is an entry in ClinVar:

ClinVar aggregate classification (germline): Uncertain significance (1 of 4 stars; one submission).

gnomAD v4.1: 10 of 1,601,858 alleles (0.00062%); highest among the groups gnomAD compares: East Asian, 0.0022%; no homozygotes.

Submission:

Labcorp Genetics (formerly Invitae), Labcorp
Classification: Uncertain significance. Last evaluated: 2026-01-24. Review status: criteria provided, single submitter. Criteria: Invitae Variant Classification Sherloc (09022015). Collection method: clinical testing. Allele origin: germline.
Comment: This sequence change creates a premature translational stop signal (p.Arg1161*) in the ERBB2 gene. While this is not anticipated to result in nonsense mediated decay, it is expected to disrupt the last 95 amino acid(s) of the ERBB2 protein. The frequency data for this variant in the population databases is considered unreliable, as metrics indicate poor data quality at this position in the gnomAD database. This variant has not been reported in the literature in individuals affected with ERBB2-related conditions. Experimental studies and prediction algorithms are not available or were not evaluated, and the functional significance of this variant is currently unknown. In summary, the available evidence is currently insufficient to determine the role of this variant in disease. Therefore, it has been classified as a Variant of Uncertain Significance.

NM_004448.4(ERBB2):c.3481C>T (p.Arg1161Ter)

Gene: ERBB2 (erb-b2 receptor tyrosine kinase 2; plus strand). Cytogenetic location: 17q12.
Variant type: single nucleotide variant.
Coding change: c.3481C>T on transcript NM_004448.4 (MANE Select); coding-DNA position 3481, C replaced by T.
Protein change: p.Arg1161Ter; replaces arginine 1161 with a stop codon.
Molecular consequence: nonsense. On other transcripts: 3 prime UTR variant (2), non-coding transcript variant (1).
Genome position (GRCh38, 1-based): chr17:39,727,757, C>T. VCF-style: chr17-39727757-C-T. GRCh37 (hg19) VCF-style: chr17-37884010-C-T.
Other names: c.3391C>T, p.Arg1131Ter (NM_001005862.3, NM_001382782.1, NM_001382783.1); c.3436C>T, p.Arg1146Ter (NM_001289936.2); c.*60C>T (NM_001289937.2, NM_001382803.1); c.3598C>T, p.Arg1200Ter (NM_001382784.1); c.3583C>T, p.Arg1195Ter (NM_001382785.1); c.3562C>T, p.Arg1188Ter (NM_001382786.1); c.3556C>T, p.Arg1186Ter (NM_001382787.1); c.3511C>T, p.Arg1171Ter (NM_001382788.1); and 16 more; short protein forms R1131*, R1132*, R1171*, R1195*, R815*, R885*, R1099*, R1109*.
Identifiers: ClinVar variation 4751081 (VCV004751081.1).